The following is an entry in ClinVar:

NM_016239.4(MYO15A):c.8449C>T (p.Arg2817Cys)

Gene: MYO15A (myosin XVA; plus strand). Cytogenetic location: 17p11.2.
Variant type: single nucleotide variant.
Coding change: c.8449C>T on transcript NM_016239.4 (MANE Select); coding-DNA position 8449, C replaced by T.
Protein change: p.Arg2817Cys; replaces arginine 2817 with cysteine.
Molecular consequence: missense variant.
Genome position (GRCh38, 1-based): chr17:18,155,422, C>T. VCF-style: chr17-18155422-C-T. GRCh37 (hg19) VCF-style: chr17-18058736-C-T.
Other names: short protein forms R2817C.
Identifiers: ClinVar variation 1804549 (VCV001804549.1), dbSNP rs373995659, ClinGen allele CA288414151.

ClinVar aggregate classification (germline): Uncertain significance (1 of 4 stars; one submission).

Allele frequency attached by ClinVar (database versions not stated): TOPMed 0.00003; ESP Exome Variant Server 0.00016.
gnomAD v4.1: 12 of 1,613,040 alleles (0.00074%); highest among the groups gnomAD compares: East Asian, 0.0022%; no homozygotes.

Submission:

GeneDx
Classification: Uncertain significance. Last evaluated: 2022-06-17. Review status: criteria provided, single submitter. Criteria: GeneDx Variant Classification Process June 2021. Collection method: clinical testing. Allele origin: germline. Affected: yes.
Comment: Not observed at significant frequency in large population cohorts (gnomAD); In silico analysis supports that this missense variant has a deleterious effect on protein structure/function; Has not been previously published as pathogenic or benign to our knowledge